The following is an entry in ClinVar:

ClinVar aggregate classification (germline): Benign/Likely benign. Review status: criteria provided, multiple submitters, no conflicts (2 of 4 stars). 3 submissions from 3 submitters: Benign (1); Likely benign (2). Last evaluated 2025-02-27.

Conditions:
Multiple endocrine neoplasia type 2A. Also called: Multiple Endocrine Neoplasia Type 2A (MEN2A); MULTIPLE ENDOCRINE NEOPLASIA, TYPE IIA; PTC SYNDROME; SIPPLE SYNDROME; MEN 2A; MEN-2A syndrome. Identifiers: Orphanet 247698, Orphanet 653, MedGen C0025268, MeSH D018813, MONDO:0008234, OMIM 171400.
Multiple endocrine neoplasia, type 2 (MEN2). Identifiers: Orphanet 653, MedGen C4048306, MONDO:0019003. Disease mechanism: gain of function.
Hereditary cancer-predisposing syndrome. Also called: Tumor predisposition; Hereditary neoplastic syndrome; Hereditary Cancer Syndrome; Neoplastic Syndromes, Hereditary. Identifiers: Orphanet 140162, MedGen C0027672, MeSH D009386, MONDO:0015356.

gnomAD v4.1: 1 of 1,613,568 alleles (0.000062%); no homozygotes.

Submissions (3):

Myriad Genetics, Inc.
Classification: Benign for Multiple endocrine neoplasia type 2A. Last evaluated: 2025-02-27. Review status: criteria provided, single submitter. Criteria: Myriad Autosomal Dominant, Autosomal Recessive and X-Linked Classification Criteria (2023). Collection method: clinical testing. Allele origin: unknown.
Comment: This variant is considered benign. This variant is a silent/synonymous amino acid change and it is not expected to impact splicing.

Ambry Genetics
Classification: Likely benign for Hereditary cancer-predisposing syndrome. Last evaluated: 2023-05-13. Review status: criteria provided, single submitter. Criteria: Ambry Variant Classification Scheme 2023. Collection method: clinical testing. Allele origin: germline.

Labcorp Genetics (formerly Invitae), Labcorp
Classification: Likely benign for Multiple endocrine neoplasia, type 2. Last evaluated: 2022-01-18. Review status: criteria provided, single submitter. Criteria: Invitae Variant Classification Sherloc (09022015). Collection method: clinical testing. Allele origin: germline.

NM_020975.6(RET):c.2553C>T (p.Leu851=)

Gene: RET (ret proto-oncogene; plus strand). Cytogenetic location: 10q11.21.
Variant type: single nucleotide variant.
Coding change: c.2553C>T on transcript NM_020975.6 (MANE Select); coding-DNA position 2553, C replaced by T.
Protein change: p.Leu851=; no amino-acid change (leucine 851 retained).
Molecular consequence: synonymous variant.
Genome position (GRCh38, 1-based): chr10:43,119,691, C>T. VCF-style: chr10-43119691-C-T. GRCh37 (hg19) VCF-style: chr10-43615139-C-T.
Other names: c.2553C>T, p.Leu851= (NM_000323.2, NM_001406743.1, NM_001406744.1 and 4 more transcripts); c.1791C>T, p.Leu597= (NM_001355216.2); c.2424C>T, p.Leu808= (NM_001406761.1, NM_001406762.1, NM_001406764.1); c.2418C>T, p.Leu806= (NM_001406763.1, NM_001406765.1); c.2265C>T, p.Leu755= (NM_001406766.1, NM_001406767.1, NM_001406770.1); c.2289C>T, p.Leu763= (NM_001406768.1); c.2157C>T, p.Leu719= (NM_001406769.1, NM_001406772.1); c.2115C>T, p.Leu705= (NM_001406771.1, NM_001406773.1); and 10 more.
Identifiers: ClinVar variation 1097431 (VCV001097431.13), dbSNP rs2132949279, ClinGen allele CA469480129.